The following is an entry in ClinVar:

NM_000199.5(SGSH):c.935A>G (p.Tyr312Cys)

Gene: SGSH (N-sulfoglucosamine sulfohydrolase; minus strand). Cytogenetic location: 17q25.3.
Variant type: single nucleotide variant.
Coding change: c.935A>G on transcript NM_000199.5 (MANE Select); coding-DNA position 935, A replaced by G.
Protein change: p.Tyr312Cys; replaces tyrosine 312 with cysteine.
Molecular consequence: missense variant. On other transcripts: non-coding transcript variant (1).
Genome position (GRCh38, 1-based): chr17:80,212,085, T>C on the plus strand (A>G on the coding strand, the complement: SGSH is on the minus strand). VCF-style: chr17-80212085-T-C. GRCh37 (hg19) VCF-style: chr17-78185884-T-C.
Other names: c.935A>G, p.Tyr312Cys (NM_001352921.3, NM_001352922.2); short protein forms Y312C.
Identifiers: ClinVar variation 1920013 (VCV001920013.2), dbSNP rs1421922076, ClinGen allele CA401359632.

ClinVar aggregate classification (germline): Uncertain significance (1 of 4 stars; one submission).

Conditions:
Mucopolysaccharidosis, MPS-III-A (MPS3A). Also called: HEPARAN SULFATE SULFATASE DEFICIENCY; SANFILIPPO SYNDROME A; SULFAMIDASE DEFICIENCY; MPS III A; Mucopolysaccharidosis type IIIA (Sanfilippo A); Mucopolysaccharidosis, type IIIA. Identifiers: Orphanet 581, Orphanet 79269, MedGen C0086647, MONDO:0009655, OMIM 252900.

gnomAD v4.1: 1 of 1,613,494 alleles (0.000062%); no homozygotes.

Submission:

Labcorp Genetics (formerly Invitae), Labcorp
Classification: Uncertain significance for Mucopolysaccharidosis, MPS-III-A. Last evaluated: 2022-02-03. Review status: criteria provided, single submitter. Criteria: Invitae Variant Classification Sherloc (09022015). Collection method: clinical testing. Allele origin: germline.
Comment: This sequence change replaces tyrosine, which is neutral and polar, with cysteine, which is neutral and slightly polar, at codon 312 of the SGSH protein (p.Tyr312Cys). This variant is not present in population databases (gnomAD no frequency). This variant has not been reported in the literature in individuals affected with SGSH-related conditions. Algorithms developed to predict the effect of missense changes on protein structure and function (SIFT, PolyPhen-2, Align-GVGD) all suggest that this variant is likely to be disruptive. In summary, the available evidence is currently insufficient to determine the role of this variant in disease. Therefore, it has been classified as a Variant of Uncertain Significance.